The following is an entry in ClinVar:

NM_020693.4(DSCAML1):c.377C>G (p.Pro126Arg)

Gene: DSCAML1 (DS cell adhesion molecule like 1; minus strand). Cytogenetic location: 11q23.3.
Variant type: single nucleotide variant.
Coding change: c.377C>G on transcript NM_020693.4 (MANE Select); coding-DNA position 377, C replaced by G.
Protein change: p.Pro126Arg; replaces proline 126 with arginine.
Molecular consequence: missense variant. On other transcripts: 5 prime UTR variant (1).
Genome position (GRCh38, 1-based): chr11:117,776,925, G>C on the plus strand (C>G on the coding strand, the complement: DSCAML1 is on the minus strand). VCF-style: chr11-117776925-G-C. GRCh37 (hg19) VCF-style: chr11-117647640-G-C.
Other names: c.377C>G, p.Pro126Arg (NM_001367904.1); c.-32C>G (NM_001367905.1); short protein forms P126R.
Identifiers: ClinVar variation 1973262 (VCV001973262.5), dbSNP rs2496820886, ClinGen allele CA382758537.

ClinVar aggregate classification (germline): Uncertain significance (1 of 4 stars; one submission).

Submission:

Labcorp Genetics (formerly Invitae), Labcorp
Classification: Uncertain significance. Last evaluated: 2022-10-21. Review status: criteria provided, single submitter. Criteria: Invitae Variant Classification Sherloc (09022015). Collection method: clinical testing. Allele origin: germline.
Comment: In summary, the available evidence is currently insufficient to determine the role of this variant in disease. Therefore, it has been classified as a Variant of Uncertain Significance. Algorithms developed to predict the effect of missense changes on protein structure and function are either unavailable or do not agree on the potential impact of this missense change (SIFT: "Deleterious"; PolyPhen-2: "Probably Damaging"; Align-GVGD: "Class C0"). This variant has not been reported in the literature in individuals affected with DSCAML1-related conditions. This variant is not present in population databases (gnomAD no frequency). This sequence change replaces proline, which is neutral and non-polar, with arginine, which is basic and polar, at codon 186 of the DSCAML1 protein (p.Pro186Arg).